The following is an entry in ClinVar:

ClinVar aggregate classification (germline): Benign. Review status: criteria provided, multiple submitters, no conflicts (2 of 4 stars). 7 submissions from 7 submitters: Benign (7). Last evaluated 2026-02-04.

Conditions:
Anemia, congenital dyserythropoietic, type IVa. Also called: Congenital dyserythropoietic anemia type 4; CDA, TYPE IVa; Congenital dyserythropoietic anemia, type IV. Identifiers: Orphanet 293825, MedGen C3150926, MONDO:0013355, OMIM 613673.

Allele frequency attached by ClinVar (database versions not stated): ESP Exome Variant Server 0.27049; gnomAD 0.36000 and 0.36602; TOPMed 0.36035; gnomAD exomes 0.36860; ExAC 0.43921; 1000 Genomes Project 0.44429; 1000 Genomes Project 30x 0.44738.

Submissions (7):

Labcorp Genetics (formerly Invitae), Labcorp
Classification: Benign. Last evaluated: 2026-02-04. Review status: criteria provided, single submitter. Criteria: Invitae Variant Classification Sherloc (09022015). Collection method: clinical testing. Allele origin: germline.

Mayo Clinic Laboratories, Mayo Clinic
Classification: Benign. Last evaluated: 2025-07-29. Review status: criteria provided, single submitter. Criteria: ACMG Guidelines, 2015. Collection method: clinical testing. Allele origin: germline. Observed: 1,120 variant alleles.
Comment: BA1, BP4

GeneDx
Classification: Benign. Last evaluated: 2019-12-16. Review status: criteria provided, single submitter. Criteria: GeneDx Variant Classification Process June 2021. Collection method: clinical testing. Allele origin: germline. Affected: yes.
Comment: This variant is associated with the following publications: (PMID: 29420372, 29047116, 23125034, 27043150, 24711040)

Illumina Laboratory Services, Illumina
Classification: Benign for Anemia, congenital dyserythropoietic, type IVa. Last evaluated: 2018-01-13. Review status: criteria provided, single submitter. Criteria: ICSL Variant Classification Criteria 13 December 2019. Collection method: clinical testing. Allele origin: germline.
Comment: This variant was observed in the ICSL laboratory as part of a predisposition screen in an ostensibly healthy population. It had not been previously curated by ICSL or reported in the Human Gene Mutation Database (HGMD: prior to June 1st, 2018), and was therefore a candidate for classification through an automated scoring system. Utilizing variant allele frequency, disease prevalence and penetrance estimates, and inheritance mode, an automated score was calculated to assess if this variant is too frequent to cause the disease. Based on the score and internal cut-off values, a variant classified as benign is not then subjected to further curation. The score for this variant resulted in a classification of benign for this disease.

Laboratory for Molecular Medicine, Mass General Brigham Personalized Medicine
Classification: Benign. Last evaluated: 2016-03-29. Review status: criteria provided, single submitter. Criteria: LMM Criteria. Collection method: clinical testing. Allele origin: germline.
Comment: Variant identified in a genome or exome case(s) and assessed due to predicted null impact of the variant or pathogenic assertions in the literature or databases. Disclaimer: This variant has not undergone full assessment. The following are preliminary notes: 44% of total chromosomes in ExAC

Breakthrough Genomics
Classification: Benign. Review status: criteria provided, single submitter. Criteria: ACMG Guidelines, 2015. Collection method: not provided. Allele origin: germline. Inheritance: Autosomal dominant inheritance. Affected: yes.

PreventionGenetics, part of Exact Sciences
Classification: Benign. Review status: criteria provided, single submitter. Criteria: ACMG Guidelines, 2015. Collection method: clinical testing. Allele origin: germline.

NM_006563.5(KLF1):c.304T>C (p.Ser102Pro)

Gene: KLF1 (KLF transcription factor 1; minus strand). Cytogenetic location: 19p13.13.
Variant type: single nucleotide variant.
Coding change: c.304T>C on transcript NM_006563.5 (MANE Select); coding-DNA position 304, T replaced by C.
Protein change: p.Ser102Pro; replaces serine 102 with proline.
Molecular consequence: missense variant.
Genome position (GRCh38, 1-based): chr19:12,885,926, A>G on the plus strand (T>C on the coding strand, the complement: KLF1 is on the minus strand). VCF-style: chr19-12885926-A-G. GRCh37 (hg19) VCF-style: chr19-12996740-A-G.
Other names: short protein forms S102P.
Identifiers: ClinVar variation 260001 (VCV000260001.20), dbSNP rs2072597, ClinGen allele CA9234065.